The following is an entry in ClinVar:

NM_152564.5(VPS13B):c.1066A>G (p.Ile356Val)

Gene: VPS13B (vacuolar protein sorting 13 homolog B; plus strand). Cytogenetic location: 8q22.2.
Variant type: single nucleotide variant.
Coding change: c.1066A>G on transcript NM_152564.5 (MANE Select); coding-DNA position 1066, A replaced by G.
Protein change: p.Ile356Val; replaces isoleucine 356 with valine.
Molecular consequence: missense variant. On other transcripts: non-coding transcript variant (1).
Genome position (GRCh38, 1-based): chr8:99,121,305, A>G. VCF-style: chr8-99121305-A-G. GRCh37 (hg19) VCF-style: chr8-100133533-A-G.
Other names: c.1066A>G (NM_152564.4); c.1066A>G, p.Ile356Val (NM_015243.3, NM_017890.5, NM_181661.3); short protein forms I356V.
Identifiers: ClinVar variation 839763 (VCV000839763.11), dbSNP rs1020906206, ClinGen allele CA182885983.

ClinVar aggregate classification (germline): Uncertain significance. Review status: criteria provided, multiple submitters, no conflicts (2 of 4 stars). 4 submissions from 4 submitters: Uncertain significance (3). 1 of the submissions does not count toward it. Last evaluated 2025-09-05.

Conditions:
Cohen syndrome (COH1). Also called: PEPPER SYNDROME; Cutis verticis gyrata, retinitis pigmentosa, and sensorineural deafness. Identifiers: Orphanet 193, MedGen C0265223, MONDO:0008999, OMIM 216550.
VPS13B-related disorder. Also called: VPS13B-related condition.

Allele frequency attached by ClinVar (database versions not stated): gnomAD exomes below 0.00001; gnomAD 0.00001.
gnomAD v4.1: 4 of 1,614,064 alleles (0.00025%); highest among the groups gnomAD compares: South Asian, 0.0011%; no homozygotes.

Submissions (4):

Women's Health and Genetics/Laboratory Corporation of America, LabCorp
Classification: Uncertain significance. Last evaluated: 2025-09-05. Review status: criteria provided, single submitter. Criteria: LabCorp Variant Classification Summary - May 2015. Collection method: clinical testing. Allele origin: germline.
Comment: Variant summary: VPS13B c.1066A>G (p.Ile356Val) results in a conservative amino acid change located in the N-terminal domain (IPR026854) of the encoded protein sequence. Algorithms developed to predict the effect of missense changes on protein structure and function are either unavailable or do not agree on the potential impact of this missense change. The variant was absent in 251420 control chromosomes. The available data on variant occurrences in the general population are insufficient to allow any conclusion about variant significance. To our knowledge, no occurrence of c.1066A>G in individuals affected with VPS13B-related conditions and no experimental evidence demonstrating its impact on protein function have been reported. ClinVar contains an entry for this variant (Variation ID: 839763). Based on the evidence outlined above, the variant was classified as uncertain significance.

Labcorp Genetics (formerly Invitae), Labcorp
Classification: Uncertain significance for Cohen syndrome. Last evaluated: 2025-03-17. Review status: criteria provided, single submitter. Criteria: Invitae Variant Classification Sherloc (09022015). Collection method: clinical testing. Allele origin: germline.
Comment: This sequence change replaces isoleucine, which is neutral and non-polar, with valine, which is neutral and non-polar, at codon 356 of the VPS13B protein (p.Ile356Val). This variant is not present in population databases (gnomAD no frequency). This variant has not been reported in the literature in individuals affected with VPS13B-related conditions. ClinVar contains an entry for this variant (Variation ID: 839763). Invitae Evidence Modeling of protein sequence and biophysical properties (such as structural, functional, and spatial information, amino acid conservation, physicochemical variation, residue mobility, and thermodynamic stability) indicates that this missense variant is not expected to disrupt VPS13B protein function with a negative predictive value of 80%. In summary, the available evidence is currently insufficient to determine the role of this variant in disease. Therefore, it has been classified as a Variant of Uncertain Significance.

PreventionGenetics, part of Exact Sciences
Classification: Uncertain significance for VPS13B-related condition. Last evaluated: 2025-02-06. Review status: criteria provided, single submitter. Criteria: ACMG Guidelines, 2015. Collection method: clinical testing. Allele origin: germline.
Comment: The VPS13B c.1066A>G variant is predicted to result in the amino acid substitution p.Ile356Val. To our knowledge, this variant has not been reported in the literature or in a large population database (gnomAD), indicating this variant is rare. At this time, the clinical significance of this variant is uncertain due to the absence of conclusive functional and genetic evidence.

Natera, Inc.
Classification: Uncertain significance for Cohen syndrome. Last evaluated: 2021-03-11. Review status: no assertion criteria provided. Collection method: clinical testing. Allele origin: germline. Not counted in ClinVar's aggregate classification.